The following is an entry in ClinVar:

ClinVar aggregate classification (germline): Pathogenic. Review status: criteria provided, multiple submitters, no conflicts (2 of 4 stars). 2 submissions from 2 submitters: Pathogenic (2). Last evaluated 2026-08-13.

Conditions:
Neurofibromatosis, type 1 (NF1). Also called: Peripheral type neurofibromatosis; VON RECKLINGHAUSEN DISEASE; NEUROFIBROMATOSIS, TYPE I, SOMATIC; Neurofibromatosis, type I. Identifiers: Orphanet 636, MedGen C0027831, MONDO:0018975, OMIM 162200. Disease mechanism: loss of function.
Hereditary cancer-predisposing syndrome. Also called: Tumor predisposition; Hereditary neoplastic syndrome; Hereditary Cancer Syndrome; Neoplastic Syndromes, Hereditary. Identifiers: Orphanet 140162, MedGen C0027672, MeSH D009386, MONDO:0015356.
Cardiovascular phenotype. Identifiers: MedGen CN230736.

Submissions (2):

Ambry Genetics
Classification: Pathogenic for Cardiovascular phenotype; Hereditary cancer-predisposing syndrome. Last evaluated: 2026-08-13. Review status: criteria provided, single submitter. Criteria: Ambry Variant Classification Scheme 2023. Collection method: clinical testing. Allele origin: germline.
Comment: The p.L2374* pathogenic mutation (also known as c.7121T>A), located in coding exon 47 of the NF1 gene, results from a T to A substitution at nucleotide position 7121. This changes the amino acid from a leucine to a stop codon within coding exon 47. This variant is considered to be rare based on population cohorts in the Genome Aggregation Database (gnomAD). This alteration is expected to result in loss of function by premature protein truncation or nonsense-mediated mRNA decay. As such, this alteration is interpreted as a disease-causing mutation.

Labcorp Genetics (formerly Invitae), Labcorp
Classification: Pathogenic for Neurofibromatosis, type 1. Last evaluated: 2024-06-21. Review status: criteria provided, single submitter. Criteria: Invitae Variant Classification Sherloc (09022015). Collection method: clinical testing. Allele origin: germline.
Comment: This sequence change creates a premature translational stop signal (p.Leu2374*) in the NF1 gene. It is expected to result in an absent or disrupted protein product. Loss-of-function variants in NF1 are known to be pathogenic (PMID: 10712197, 23913538). This variant is not present in population databases (gnomAD no frequency). This variant has not been reported in the literature in individuals affected with NF1-related conditions. For these reasons, this variant has been classified as Pathogenic.

Literature cited by the submitters: PubMed 10712197 (cited by Labcorp Genetics (formerly Invitae), Labcorp); PubMed 23913538 (cited by Labcorp Genetics (formerly Invitae), Labcorp).

NM_001042492.3(NF1):c.7184T>A (p.Leu2395Ter)

Gene: NF1 (neurofibromin 1; plus strand). Cytogenetic location: 17q11.2.
Variant type: single nucleotide variant.
Coding change: c.7184T>A on transcript NM_001042492.3 (MANE Select); coding-DNA position 7184, T replaced by A.
Protein change: p.Leu2395Ter; replaces leucine 2395 with a stop codon.
Molecular consequence: nonsense.
Genome position (GRCh38, 1-based): chr17:31,343,130, T>A. VCF-style: chr17-31343130-T-A. GRCh37 (hg19) VCF-style: chr17-29670148-T-A.
Other names: c.7121T>A, p.Leu2374Ter (NM_000267.4); short protein forms L2374*, L2395*.
Identifiers: ClinVar variation 3652469 (VCV003652469.3).